The following is an entry in ClinVar:

NM_015072.5(TTLL5):c.1288C>T (p.Arg430Cys)

Gene: TTLL5 (tubulin tyrosine ligase like 5; plus strand). Cytogenetic location: 14q24.3.
Variant type: single nucleotide variant.
Coding change: c.1288C>T on transcript NM_015072.5 (MANE Select); coding-DNA position 1288, C replaced by T.
Protein change: p.Arg430Cys; replaces arginine 430 with cysteine.
Molecular consequence: missense variant.
Genome position (GRCh38, 1-based): chr14:75,745,101, C>T. VCF-style: chr14-75745101-C-T. GRCh37 (hg19) VCF-style: chr14-76211444-C-T.
Other names: short protein forms R430C.
Identifiers: ClinVar variation 1367107 (VCV001367107.9), dbSNP rs766847101, ClinGen allele CA7279338.

ClinVar aggregate classification (germline): Uncertain significance. Review status: criteria provided, multiple submitters, no conflicts (2 of 4 stars). 2 submissions from 2 submitters: Uncertain significance (2). Last evaluated 2025-01-01.

gnomAD v4.1: 30 of 1,613,512 alleles (0.0019%); highest among the groups gnomAD compares: East Asian, 0.038%; no homozygotes.

Submissions (2):

Labcorp Genetics (formerly Invitae), Labcorp
Classification: Uncertain significance. Last evaluated: 2025-01-01. Review status: criteria provided, single submitter. Criteria: Invitae Variant Classification Sherloc (09022015). Collection method: clinical testing. Allele origin: germline.
Comment: This sequence change replaces arginine, which is basic and polar, with cysteine, which is neutral and slightly polar, at codon 430 of the TTLL5 protein (p.Arg430Cys). This variant is present in population databases (rs766847101, gnomAD 0.01%). This variant has not been reported in the literature in individuals affected with TTLL5-related conditions. ClinVar contains an entry for this variant (Variation ID: 1367107). Invitae Evidence Modeling of protein sequence and biophysical properties (such as structural, functional, and spatial information, amino acid conservation, physicochemical variation, residue mobility, and thermodynamic stability) indicates that this missense variant is not expected to disrupt TTLL5 protein function with a negative predictive value of 80%. In summary, the available evidence is currently insufficient to determine the role of this variant in disease. Therefore, it has been classified as a Variant of Uncertain Significance.

Blueprint Genetics
Classification: Uncertain significance. Last evaluated: 2023-12-20. Review status: criteria provided, single submitter. Criteria: ACMG Guidelines, 2015. Collection method: clinical testing. Allele origin: germline.